The following is an entry in ClinVar:

ClinVar aggregate classification (germline): Conflicting classifications of pathogenicity. Review status: criteria provided, conflicting classifications (1 of 4 stars). 7 submissions from 4 submitters: Uncertain significance (2); Benign (1); Likely benign (4). Last evaluated 2025-11-03.

Conditions:
PROM1-related disorder. Also called: PROM1-related condition; PROM1-related disorders.
Retinitis pigmentosa (RP). Identifiers: Orphanet 791, MedGen C0035334, MeSH D012174, MONDO:0019200, OMIM 268000. Inheritance: Autosomal dominant, autosomal recessive and X linked inheritance.
Cone-rod dystrophy 12 (CORD12). Identifiers: Orphanet 1872, MedGen C2675210, MONDO:0012983, OMIM 612657.
Retinal macular dystrophy type 2 (MCDR2). Also called: Bull's eye macular dystrophy. Identifiers: Orphanet 319640, MedGen C4749334, MONDO:0011957, OMIM 608051.
Stargardt disease 4 (STGD4). Identifiers: Orphanet 827, MedGen C1863534, MONDO:0011370, OMIM 603786.

Allele frequency attached by ClinVar (database versions not stated): gnomAD exomes 0.00013 and 0.00022; ESP Exome Variant Server 0.00016; ExAC 0.00019; gnomAD 0.00019; TOPMed 0.00021.
gnomAD v4.1: 242 of 1,612,934 alleles (0.015%); highest among the groups gnomAD compares: Non-Finnish European, 0.0034%; no homozygotes.

Submissions (7):

Labcorp Genetics (formerly Invitae), Labcorp
Classification: Benign. Last evaluated: 2025-11-03. Review status: criteria provided, single submitter. Criteria: Invitae Variant Classification Sherloc (09022015). Collection method: clinical testing. Allele origin: germline.

PreventionGenetics, part of Exact Sciences
Classification: Likely benign for PROM1-related condition. Last evaluated: 2024-12-02. Review status: criteria provided, single submitter. Criteria: ACMG Guidelines, 2015. Collection method: clinical testing. Allele origin: germline.
Comment: This variant is classified as likely benign based on ACMG/AMP sequence variant interpretation guidelines (Richards et al. 2015 PMID: 25741868, with internal and published modifications).

Blueprint Genetics
Classification: Likely benign. Last evaluated: 2024-06-11. Review status: criteria provided, single submitter. Criteria: ACMG Guidelines, 2015. Collection method: clinical testing. Allele origin: germline.

Illumina Laboratory Services, Illumina
Classification: Uncertain significance for Retinitis pigmentosa. Last evaluated: 2018-01-12. Review status: criteria provided, single submitter. Criteria: ICSL Variant Classification Criteria 13 December 2019. Collection method: clinical testing. Allele origin: germline.

Illumina Laboratory Services, Illumina
Classification: Uncertain significance for Retinal macular dystrophy type 2. Last evaluated: 2018-01-12. Review status: criteria provided, single submitter. Criteria: ICSL Variant Classification Criteria 13 December 2019. Collection method: clinical testing. Allele origin: germline.

Illumina Laboratory Services, Illumina
Classification: Likely benign for Stargardt disease 4. Last evaluated: 2018-01-12. Review status: criteria provided, single submitter. Criteria: ICSL Variant Classification Criteria 13 December 2019. Collection method: clinical testing. Allele origin: germline.
Comment: This variant was observed in the ICSL laboratory as part of a predisposition screen in an ostensibly healthy population. It had not been previously curated by ICSL or reported in the Human Gene Mutation Database (HGMD: prior to June 1st, 2018), and was therefore a candidate for classification through an automated scoring system. Utilizing variant allele frequency, disease prevalence and penetrance estimates, and inheritance mode, an automated score was calculated to assess if this variant is too frequent to cause the disease. Based on the score and internal cut-off values, a variant classified as likely benign is not then subjected to further curation. The score for this variant resulted in a classification of likely benign for this disease.

Illumina Laboratory Services, Illumina
Classification: Likely benign for Cone-rod dystrophy 12. Last evaluated: 2018-01-12. Review status: criteria provided, single submitter. Criteria: ICSL Variant Classification Criteria 13 December 2019. Collection method: clinical testing. Allele origin: germline.
Comment: the same text as in the submission from Illumina Laboratory Services, Illumina above.

NM_006017.3(PROM1):c.843C>T (p.His281=)

Gene: PROM1 (prominin 1; minus strand). Cytogenetic location: 4p15.32.
Variant type: single nucleotide variant.
Coding change: c.843C>T on transcript NM_006017.3 (MANE Select); coding-DNA position 843, C replaced by T.
Protein change: p.His281=; no amino-acid change (histidine 281 retained).
Molecular consequence: synonymous variant.
Genome position (GRCh38, 1-based): chr4:16,018,482, G>A on the plus strand (C>T on the coding strand, the complement: PROM1 is on the minus strand). VCF-style: chr4-16018482-G-A. GRCh37 (hg19) VCF-style: chr4-16020105-G-A.
Other names: c.816C>T, p.His272= (NM_001145847.2, NM_001145848.2, NM_001145851.2 and 4 more transcripts); c.843C>T, p.His281= (NM_001145849.2, NM_001145850.2).
Identifiers: ClinVar variation 347998 (VCV000347998.14), dbSNP rs374394451, ClinGen allele CA2866936.